The following is an entry in ClinVar:

NM_016239.4(MYO15A):c.381C>G (p.Leu127=)

Gene: MYO15A (myosin XVA; plus strand). Cytogenetic location: 17p11.2.
Variant type: single nucleotide variant.
Coding change: c.381C>G on transcript NM_016239.4 (MANE Select); coding-DNA position 381, C replaced by G.
Protein change: p.Leu127=; no amino-acid change (leucine 127 retained).
Molecular consequence: synonymous variant.
Genome position (GRCh38, 1-based): chr17:18,119,181, C>G. VCF-style: chr17-18119181-C-G. GRCh37 (hg19) VCF-style: chr17-18022495-C-G.
Identifiers: ClinVar variation 506020 (VCV000506020.16), dbSNP rs199520255, ClinGen allele CA8422826.

ClinVar aggregate classification (germline): Conflicting classifications of pathogenicity. Review status: criteria provided, conflicting classifications (1 of 4 stars). 7 submissions from 7 submitters: Uncertain significance (1); Likely benign (5). 1 of the submissions does not count toward it. Last evaluated 2026-08-01.

Conditions:
Autosomal recessive nonsyndromic hearing loss 3. Also called: NEUROSENSORY NONSYNDROMIC RECESSIVE DEAFNESS 3. Identifiers: Orphanet 90636, MedGen C1838263, MONDO:0010860, OMIM 600316.
MYO15A-related disorder. Also called: MYO15A-related condition.

Allele frequency attached by ClinVar (database versions not stated): gnomAD 0.00006 and 0.00011; TOPMed 0.00013; gnomAD exomes 0.00014 and 0.00015; ExAC 0.00017; 1000 Genomes Project 0.00060; 1000 Genomes Project 30x 0.00062.
gnomAD v4.1: 225 of 1,612,490 alleles (0.014%); highest among the groups gnomAD compares: Middle Eastern, 0.099%; 1 homozygote.

Submissions (7):

CeGaT Center for Human Genetics Tuebingen
Classification: Likely benign. Last evaluated: 2026-08-01. Review status: criteria provided, single submitter. Criteria: CeGaT Center For Human Genetics Tuebingen Variant Classification Criteria Version 2. Collection method: clinical testing. Allele origin: germline. Affected: yes. Observed: 1 variant allele.
Comment: MYO15A: BP4, BP7

Labcorp Genetics (formerly Invitae), Labcorp
Classification: Likely benign. Last evaluated: 2025-10-18. Review status: criteria provided, single submitter. Criteria: Invitae Variant Classification Sherloc (09022015). Collection method: clinical testing. Allele origin: germline.

Blueprint Genetics
Classification: Likely benign. Last evaluated: 2024-09-04. Review status: criteria provided, single submitter. Criteria: ACMG Guidelines, 2015. Collection method: clinical testing. Allele origin: germline.

GeneDx
Classification: Likely benign. Last evaluated: 2019-10-24. Review status: criteria provided, single submitter. Criteria: GeneDx Variant Classification Process June 2021. Collection method: clinical testing. Allele origin: germline. Affected: yes.

Illumina Laboratory Services, Illumina
Classification: Uncertain significance for Autosomal recessive nonsyndromic hearing loss 3. Last evaluated: 2018-01-13. Review status: criteria provided, single submitter. Criteria: ICSL Variant Classification Criteria 13 December 2019. Collection method: clinical testing. Allele origin: germline.

Laboratory for Molecular Medicine, Mass General Brigham Personalized Medicine
Classification: Likely benign. Last evaluated: 2017-08-25. Review status: criteria provided, single submitter. Criteria: LMM Criteria. Collection method: clinical testing. Allele origin: germline. Observed: 1 variant allele.
Comment: p.Leu127Leu in exon 2 of MYO15A: This variant is not expected to have clinical significance because it does not alter an amino acid residue and it is not locat ed within the splice consensus sequence. It has been identified in 24/121262 of European chromosomes by the Genome Aggregation Database (gnomAD.; dbSNP rs199520255).

PreventionGenetics, part of Exact Sciences
Classification: Likely benign for MYO15A-related condition. Last evaluated: 2024-09-10. Review status: no assertion criteria provided. Collection method: clinical testing. Allele origin: germline. Not counted in ClinVar's aggregate classification.
Comment: This variant is classified as likely benign based on ACMG/AMP sequence variant interpretation guidelines (Richards et al. 2015 PMID: 25741868, with internal and published modifications).